The following is an entry in ClinVar:

ClinVar aggregate classification (germline): Uncertain significance (1 of 4 stars; one submission).

Conditions:
Familial meningioma. Also called: Meningioma, familial, susceptibility to. Identifiers: Orphanet 263662, MedGen C3551915, MONDO:0011789, OMIM 607174.

Submission:

Labcorp Genetics (formerly Invitae), Labcorp
Classification: Uncertain significance for Familial meningioma. Last evaluated: 2022-11-01. Review status: criteria provided, single submitter. Criteria: Invitae Variant Classification Sherloc (09022015). Collection method: clinical testing. Allele origin: germline.
Comment: This sequence change falls in intron 7 of the SMARCE1 gene. It does not directly change the encoded amino acid sequence of the SMARCE1 protein. It affects a nucleotide within the consensus splice site. This variant is not present in population databases (gnomAD no frequency). This variant has not been reported in the literature in individuals affected with SMARCE1-related conditions. Variants that disrupt the consensus splice site are a relatively common cause of aberrant splicing (PMID: 17576681, 9536098). Algorithms developed to predict the effect of sequence changes on RNA splicing suggest that this variant is not likely to affect RNA splicing. In summary, the available evidence is currently insufficient to determine the role of this variant in disease. Therefore, it has been classified as a Variant of Uncertain Significance.

Literature cited by the submitters: PubMed 17576681; PubMed 9536098.

NM_003079.5(SMARCE1):c.541+5A>G

Gene: SMARCE1 (SWI/SNF related BAF chromatin remodeling complex subunit E1; minus strand). Cytogenetic location: 17q21.2.
Variant type: single nucleotide variant.
Coding change: c.541+5A>G on transcript NM_003079.5 (MANE Select); 5 bases into the intron after coding-DNA position 541, A replaced by G.
Molecular consequence: intron variant.
Genome position (GRCh38, 1-based): chr17:40,635,926, T>C on the plus strand (A>G on the coding strand, the complement: SMARCE1 is on the minus strand). VCF-style: chr17-40635926-T-C. GRCh37 (hg19) VCF-style: chr17-38792178-T-C.
Identifiers: ClinVar variation 2811178 (VCV002811178.3), dbSNP rs2508603453, ClinGen allele CA2576261999.